The following is an entry in ClinVar:

NM_021830.5(TWNK):c.441A>C (p.Glu147Asp)

Gene: TWNK (twinkle mtDNA helicase; plus strand). Cytogenetic location: 10q24.31.
Variant type: single nucleotide variant.
Coding change: c.441A>C on transcript NM_021830.5 (MANE Select); coding-DNA position 441, A replaced by C.
Protein change: p.Glu147Asp; replaces glutamic acid 147 with aspartic acid.
Molecular consequence: missense variant. On other transcripts: non-coding transcript variant (4), intron variant (3).
Genome position (GRCh38, 1-based): chr10:100,988,651, A>C. VCF-style: chr10-100988651-A-C. GRCh37 (hg19) VCF-style: chr10-102748408-A-C.
Other names: c.441A>C, p.Glu147Asp (NM_001163812.2); c.-119-993A>C (NM_001163814.2, NM_001163813.2); c.-58+1038A>C (NM_001368275.1); short protein forms E147D.
Identifiers: ClinVar variation 3393627 (VCV003393627.1).

ClinVar aggregate classification (germline): Uncertain significance (1 of 4 stars; one submission).

Submission:

GeneDx
Classification: Uncertain significance. Last evaluated: 2024-06-30. Review status: criteria provided, single submitter. Criteria: GeneDx Variant Classification Process June 2021. Collection method: clinical testing. Allele origin: germline. Affected: yes.
Comment: Not observed at significant frequency in large population cohorts (gnomAD); In silico analysis indicates that this missense variant does not alter protein structure/function; Has not been previously published as pathogenic or benign to our knowledge